The following is an entry in ClinVar:

NM_001006658.3(CR2):c.2656G>A (p.Val886Met)

Gene: CR2 (complement C3d receptor 2; plus strand). Cytogenetic location: 1q32.2.
Variant type: single nucleotide variant.
Coding change: c.2656G>A on transcript NM_001006658.3 (MANE Select); coding-DNA position 2656, G replaced by A.
Protein change: p.Val886Met; replaces valine 886 with methionine.
Molecular consequence: missense variant.
Genome position (GRCh38, 1-based): chr1:207,475,156, G>A. VCF-style: chr1-207475156-G-A. GRCh37 (hg19) VCF-style: chr1-207648501-G-A.
Other names: c.2479G>A, p.Val827Met (NM_001877.5); short protein forms V886M, V827M.
Identifiers: ClinVar variation 568808 (VCV000568808.9), dbSNP rs748038018, ClinGen allele CA1369024.

ClinVar aggregate classification (germline): Uncertain significance (1 of 4 stars; one submission).

Conditions:
Immunodeficiency, common variable, 7. Identifiers: Orphanet 1572, Orphanet 696894, MedGen C3542922, MONDO:0013862, OMIM 614699.

Allele frequency attached by ClinVar (database versions not stated): gnomAD 0.00001 and 0.00002; gnomAD exomes 0.00004 and 0.00008; TOPMed 0.00003; ExAC 0.00004.
gnomAD v4.1: 58 of 1,612,814 alleles (0.0036%); highest among the groups gnomAD compares: East Asian, 0.051%; no homozygotes.

Submission:

Labcorp Genetics (formerly Invitae), Labcorp
Classification: Uncertain significance for Immunodeficiency, common variable, 7. Last evaluated: 2022-08-31. Review status: criteria provided, single submitter. Criteria: Invitae Variant Classification Sherloc (09022015). Collection method: clinical testing. Allele origin: germline.
Comment: This sequence change replaces valine, which is neutral and non-polar, with methionine, which is neutral and non-polar, at codon 886 of the CR2 protein (p.Val886Met). This variant is present in population databases (rs748038018, gnomAD 0.06%). This variant has not been reported in the literature in individuals affected with CR2-related conditions. ClinVar contains an entry for this variant (Variation ID: 568808). Algorithms developed to predict the effect of missense changes on protein structure and function (SIFT, PolyPhen-2, Align-GVGD) all suggest that this variant is likely to be tolerated. In summary, the available evidence is currently insufficient to determine the role of this variant in disease. Therefore, it has been classified as a Variant of Uncertain Significance.